The following is an entry in ClinVar:

NM_001379200.1(TBX1):c.1202G>A (p.Arg401Gln)

Gene: TBX1 (T-box transcription factor 1; plus strand). Cytogenetic location: 22q11.21.
Variant type: single nucleotide variant.
Coding change: c.1202G>A on transcript NM_001379200.1 (MANE Select); coding-DNA position 1202, G replaced by A.
Protein change: p.Arg401Gln; replaces arginine 401 with glutamine.
Molecular consequence: missense variant. On other transcripts: intron variant (2).
Genome position (GRCh38, 1-based): chr22:19,766,554, G>A. VCF-style: chr22-19766554-G-A. GRCh37 (hg19) VCF-style: chr22-19754077-G-A.
Other names: c.1175G>A, p.Arg392Gln (NM_080647.1); c.1009+552G>A (NM_005992.1, NM_080646.2); short protein forms R392Q, R401Q.
Identifiers: ClinVar variation 1481783 (VCV001481783.10), dbSNP rs1270901790, ClinGen allele CA410684500.

ClinVar aggregate classification (germline): Uncertain significance. Review status: criteria provided, multiple submitters, no conflicts (2 of 4 stars). 2 submissions from 2 submitters: Uncertain significance (2). Last evaluated 2022-04-21.

Conditions:
Cardiovascular phenotype. Identifiers: MedGen CN230736.
DiGeorge syndrome. Also called: Catch22; THIRD AND FOURTH PHARYNGEAL POUCH SYNDROME. Identifiers: Orphanet 567, MedGen C0012236, MONDO:0008564, OMIM 188400.

Submissions (2):

Ambry Genetics
Classification: Uncertain significance for Cardiovascular phenotype. Last evaluated: 2022-04-21. Review status: criteria provided, single submitter. Criteria: Ambry Variant Classification Scheme 2023. Collection method: clinical testing. Allele origin: germline.
Comment: The p.R392Q variant (also known as c.1175G>A), located in coding exon 8 of the TBX1 gene, results from a G to A substitution at nucleotide position 1175. The arginine at codon 392 is replaced by glutamine, an amino acid with highly similar properties. This amino acid position is conserved. In addition, this alteration is predicted to be tolerated by in silico analysis. Since supporting evidence is limited at this time, the clinical significance of this alteration remains unclear.

Labcorp Genetics (formerly Invitae), Labcorp
Classification: Uncertain significance for DiGeorge syndrome. Last evaluated: 2020-11-13. Review status: criteria provided, single submitter. Criteria: Invitae Variant Classification Sherloc (09022015). Collection method: clinical testing. Allele origin: germline.
Comment: This sequence change replaces arginine with glutamine at codon 392 of the TBX1 protein (p.Arg392Gln). The arginine residue is moderately conserved and there is a small physicochemical difference between arginine and glutamine. The frequency data for this variant in the population databases is considered unreliable, as metrics indicate insufficient coverage at this position in the ExAC database. This variant has not been reported in the literature in individuals with TBX1-related conditions. Algorithms developed to predict the effect of missense changes on protein structure and function are either unavailable or do not agree on the potential impact of this missense change (SIFT: "Tolerated"; PolyPhen-2: "Possibly Damaging"; Align-GVGD: "Class C0"). In summary, the available evidence is currently insufficient to determine the role of this variant in disease. Therefore, it has been classified as a Variant of Uncertain Significance.